The following is an entry in ClinVar:

NM_013975.4(LIG3):c.979G>C (p.Val327Leu)

Gene: LIG3 (DNA ligase 3; plus strand). Cytogenetic location: 17q12.
Variant type: single nucleotide variant.
Coding change: c.979G>C on transcript NM_013975.4 (MANE Select); coding-DNA position 979, G replaced by C.
Protein change: p.Val327Leu; replaces valine 327 with leucine.
Molecular consequence: missense variant.
Genome position (GRCh38, 1-based): chr17:34,991,052, G>C. VCF-style: chr17-34991052-G-C. GRCh37 (hg19) VCF-style: chr17-33318071-G-C.
Other names: c.979G>C, p.Val327Leu (NM_002311.5); short protein forms V327L.
Identifiers: ClinVar variation 4529793 (VCV004529793.1).
Genomic context (GRCh38, chr17:34,991,052, plus strand): 5'-GTGAAGCTGCTGCTGCCAGGAGTCATTAAGACTGTTTACAACTTGAACGATAAGCAGATT[G>C]TGAAGCTTTTCAGTCGCATTTTTAACTGCAACCCAGATGATATGGCACGGGACCTAGAGC-3'
Protein context (NP_039269.2, residues 317-337): TVYNLNDKQI[Val327Leu]KLFSRIFNCN

ClinVar aggregate classification (germline): Uncertain significance (1 of 4 stars; one submission).

gnomAD v4.1: 207 of 1,614,080 alleles (0.013%); highest among the groups gnomAD compares: Middle Eastern, 0.066%; no homozygotes.

Submission:

GeneDx
Classification: Uncertain significance. Last evaluated: 2025-05-13. Review status: criteria provided, single submitter. Criteria: GeneDx Variant Classification Process June 2021. Collection method: clinical testing. Allele origin: germline. Affected: yes.
Comment: In silico analysis suggests that this missense variant does not alter protein structure/function; Has not been previously published as pathogenic or benign to our knowledge